The following is an entry in ClinVar:

NM_001042492.3(NF1):c.4902delinsAA (p.Tyr1634Ter)

Gene: NF1 (neurofibromin 1; plus strand). Cytogenetic location: 17q11.2.
Variant type: Indel.
Coding change: c.4902delinsAA on transcript NM_001042492.3 (MANE Select); coding-DNA position 4902, T replaced by AA.
Protein change: p.Tyr1634Ter; replaces tyrosine 1634 with a stop codon.
Molecular consequence: nonsense. On other transcripts: frameshift variant (2).
Genome position (GRCh38, 1-based): chr17:31,325,886, T replaced by AA. VCF-style: chr17-31325886-T-AA. GRCh37 (hg19) VCF-style: chr17-29652904-T-AA.
Other names: c.4839delTinsAA, p.Tyr1613Terfs (NM_000267.4); c.4902delTinsAA, p.Tyr1634Terfs (NM_001042492.2); short protein forms Y1613*, Y1634*.
Identifiers: ClinVar variation 2628416 (VCV002628416.2), dbSNP rs2508694786, ClinGen allele CA2695201293.

ClinVar aggregate classification (germline): Pathogenic. Review status: criteria provided, multiple submitters, no conflicts (2 of 4 stars). 2 submissions from 2 submitters: Pathogenic (2). Last evaluated 2023-09-04.

Conditions:
NF1-related disorder. Also called: NF1-related condition. Identifiers: MedGen CN379171.

Submissions (2):

Blueprint Genetics
Classification: Pathogenic for NF1-related disorders. Last evaluated: 2023-09-04. Review status: criteria provided, single submitter. Criteria: ACMG Guidelines, 2015. Collection method: clinical testing. Allele origin: germline. Affected: yes. Observed: 1 variant allele.

PreventionGenetics, part of Exact Sciences
Classification: Pathogenic for NF1-related condition. Last evaluated: 2022-09-12. Review status: criteria provided, single submitter. Criteria: ACMG Guidelines, 2015. Collection method: clinical testing. Allele origin: germline.
Comment: The NF1 c.4902delinsAA variant is predicted to result in premature protein termination (p.Tyr1634*). This variant is also referred to as c.4839delinsAA (p.Tyr1613*) in an alternate transcript (NM_000267.3). To our knowledge, this variant has not been reported in the literature or in a large population database, indicating this variant is rare. Protein truncating variants in NF1 are expected to be pathogenic and a nonsense variant affecting this same residue has been reported in an individual with neurofibromatosis type 1 (referred to as Y1613X in Peters et al. 1999. PubMed ID: 10090487). This variant is interpreted as pathogenic.